The following is an entry in ClinVar:

ClinVar aggregate classification (germline): Uncertain significance (1 of 4 stars; one submission).

Conditions:
Autosomal recessive ataxia, Beauce type. Also called: SYNE1-Related Autosomal Recessive Cerebellar Ataxia; Spinocerebellar ataxia, autosomal recessive 8; ATAXIA, RECESSIVE, OF BEAUCE; SYNE1 Deficiency. Identifiers: Orphanet 88644, MedGen C1853116, MONDO:0012549, OMIM 610743.
Emery-Dreifuss muscular dystrophy 4, autosomal dominant (EDMD4). Also called: EMERY-DREIFUSS MUSCULAR DYSTROPHY 4 WITH VARIABLE FEATURES. Identifiers: Orphanet 261, MedGen C2751807, MONDO:0013071, OMIM 612998.

Submission:

Labcorp Genetics (formerly Invitae), Labcorp
Classification: Uncertain significance for Emery-Dreifuss muscular dystrophy 4, autosomal dominant; Autosomal recessive ataxia, Beauce type. Last evaluated: 2023-10-22. Review status: criteria provided, single submitter. Criteria: Invitae Variant Classification Sherloc (09022015). Collection method: clinical testing. Allele origin: germline.
Comment: This sequence change replaces leucine, which is neutral and non-polar, with isoleucine, which is neutral and non-polar, at codon 7281 of the SYNE1 protein (p.Leu7281Ile). This variant is not present in population databases (gnomAD no frequency). This variant has not been reported in the literature in individuals affected with SYNE1-related conditions. ClinVar contains an entry for this variant (Variation ID: 1492666). An algorithm developed to predict the effect of missense changes on protein structure and function (PolyPhen-2) suggests that this variant is likely to be tolerated. In summary, the available evidence is currently insufficient to determine the role of this variant in disease. Therefore, it has been classified as a Variant of Uncertain Significance.

NM_182961.4(SYNE1):c.22054C>A (p.Leu7352Ile)

Gene: SYNE1 (spectrin repeat containing nuclear envelope protein 1; minus strand). Cytogenetic location: 6q25.2.
Variant type: single nucleotide variant.
Coding change: c.22054C>A on transcript NM_182961.4 (MANE Select); coding-DNA position 22054, C replaced by A.
Protein change: p.Leu7352Ile; replaces leucine 7352 with isoleucine.
Molecular consequence: missense variant.
Genome position (GRCh38, 1-based): chr6:152,218,394, G>T on the plus strand (C>A on the coding strand, the complement: SYNE1 is on the minus strand). VCF-style: chr6-152218394-G-T. GRCh37 (hg19) VCF-style: chr6-152539529-G-T.
Other names: c.21841C>A, p.Leu7281Ile (NM_033071.5); short protein forms L7281I, L7352I.
Identifiers: ClinVar variation 1492666 (VCV001492666.6), dbSNP rs1199232781, ClinGen allele CA366102793.